The following is an entry in ClinVar:

ClinVar aggregate classification (germline): Uncertain significance (1 of 4 stars; one submission).

Conditions:
Pityriasis rubra pilaris (PRP). Also called: Pityriasis rubra pilaris--familial type. Identifiers: Orphanet 2897, MedGen C0032027, MONDO:0100017, OMIM 173200, MONDO:0008251.
Psoriasis 2. Identifiers: MedGen C1864497, MONDO:0011269, OMIM 602723.

Submission:

Labcorp Genetics (formerly Invitae), Labcorp
Classification: Uncertain significance for Pityriasis rubra pilaris; Psoriasis 2. Last evaluated: 2023-10-18. Review status: criteria provided, single submitter. Criteria: Invitae Variant Classification Sherloc (09022015). Collection method: clinical testing. Allele origin: germline.
Comment: This sequence change replaces glutamic acid, which is acidic and polar, with lysine, which is basic and polar, at codon 669 of the CARD14 protein (p.Glu669Lys). This variant is not present in population databases (gnomAD no frequency). This variant has not been reported in the literature in individuals affected with CARD14-related conditions. Advanced modeling of protein sequence and biophysical properties (such as structural, functional, and spatial information, amino acid conservation, physicochemical variation, residue mobility, and thermodynamic stability) performed at Invitae indicates that this missense variant is not expected to disrupt CARD14 protein function. In summary, the available evidence is currently insufficient to determine the role of this variant in disease. Therefore, it has been classified as a Variant of Uncertain Significance.

NM_001366385.1(CARD14):c.2005G>A (p.Glu669Lys)

Genes: SGSH (N-sulfoglucosamine sulfohydrolase; minus strand), CARD14 (caspase recruitment domain family member 14; plus strand). Cytogenetic location: 17q25.3.
Variant type: single nucleotide variant.
Coding change: c.2005G>A on transcript NM_001366385.1 (MANE Select); coding-DNA position 2005, G replaced by A.
Protein change: p.Glu669Lys; replaces glutamic acid 669 with lysine.
Molecular consequence: missense variant. On other transcripts: non-coding transcript variant (1).
Genome position (GRCh38, 1-based): chr17:80,202,206, G>A. VCF-style: chr17-80202206-G-A. GRCh37 (hg19) VCF-style: chr17-78176005-G-A.
Other names: c.2005G>A, p.Glu669Lys (NM_001257970.1, NM_024110.4); short protein forms E669K.
Identifiers: ClinVar variation 2947266 (VCV002947266.3), dbSNP rs2510721973, ClinGen allele CA401353275.